The following is an entry in ClinVar:

NM_001114753.3(ENG):c.1572del (p.Glu525fs)

Genes: ENG (endoglin; minus strand), LOC102723566 (uncharacterized LOC102723566; plus strand). Cytogenetic location: 9q34.11.
Variant type: Deletion.
Coding change: c.1572del on transcript NM_001114753.3 (MANE Select); coding-DNA position 1572, one base deleted (C; older notation c.1572delC).
Protein change: p.Glu525fs; shifts the reading frame from glutamic acid 525.
Molecular consequence: frameshift variant.
Genome position (GRCh38, 1-based): chr9:127,818,234, G deleted on the plus strand (C on the coding strand, the reverse complement: ENG is on the minus strand); the first of 4 consecutive G bases (chr9:127,818,234-127,818,237); deleting any one gives the same sequence. VCF-style (leftmost placement, unchanged base first): chr9-127818233-CG-C. GRCh37 (hg19) VCF-style: chr9-130580512-CG-C.
Other names: c.1569delC, p.Glu525Argfs (NM_000118.4); c.1026del, p.Glu343fs (NM_001278138.2); short protein forms E343fs, E525fs.
Identifiers: ClinVar variation 1456990 (VCV001456990.8), dbSNP rs2131875783, ClinGen allele CA2573143971.

ClinVar aggregate classification (germline): Pathogenic (1 of 4 stars; one submission).

Conditions:
Hereditary hemorrhagic telangiectasia (HHT). Also called: ORW DISEASE; Osler Weber Rendu syndrome; OSLER-RENDU-WEBER DISEASE; Osler hemorrhagic telangiectasia syndrome. Identifiers: Orphanet 774, MedGen C0039445, MONDO:0019180. Disease mechanism: loss of function.

Submission:

Labcorp Genetics (formerly Invitae), Labcorp
Classification: Pathogenic for Hereditary hemorrhagic telangiectasia. Last evaluated: 2021-07-04. Review status: criteria provided, single submitter. Criteria: Invitae Variant Classification Sherloc (09022015). Collection method: clinical testing. Allele origin: germline.
Comment: This sequence change creates a premature translational stop signal (p.Glu525Argfs*27) in the ENG gene. It is expected to result in an absent or disrupted protein product. Loss-of-function variants in ENG are known to be pathogenic (PMID: 15879500). This variant is not present in population databases (ExAC no frequency). This variant has not been reported in the literature in individuals affected with ENG-related conditions. For these reasons, this variant has been classified as Pathogenic.

Literature cited by the submitters: PubMed 15879500.